The following is an entry in ClinVar:

ClinVar aggregate classification (germline): Pathogenic (1 of 4 stars; one submission).

Submission:

Labcorp Genetics (formerly Invitae), Labcorp
Classification: Pathogenic. Last evaluated: 2025-12-20. Review status: criteria provided, single submitter. Criteria: Invitae Variant Classification Sherloc (09022015). Collection method: clinical testing. Allele origin: germline.
Comment: This sequence change creates a premature translational stop signal (p.Gly273*) in the PHYH gene. It is expected to result in an absent or disrupted protein product. Loss-of-function variants in PHYH are known to be pathogenic (PMID: 9326940, 14974078). This variant is not present in population databases (gnomAD no frequency). This variant has not been reported in the literature in individuals affected with PHYH-related conditions. ClinVar contains an entry for this variant (Variation ID: 2861585). For these reasons, this variant has been classified as Pathogenic.

Literature cited by the submitters: PubMed 9326940; PubMed 14974078.

NM_006214.4(PHYH):c.817G>T (p.Gly273Ter)

Gene: PHYH (phytanoyl-CoA 2-hydroxylase; minus strand). Cytogenetic location: 10p13.
Variant type: single nucleotide variant.
Coding change: c.817G>T on transcript NM_006214.4 (MANE Select); coding-DNA position 817, G replaced by T.
Protein change: p.Gly273Ter; replaces glycine 273 with a stop codon.
Molecular consequence: nonsense.
Genome position (GRCh38, 1-based): chr10:13,283,701, C>A on the plus strand (G>T on the coding strand, the complement: PHYH is on the minus strand). VCF-style: chr10-13283701-C-A. GRCh37 (hg19) VCF-style: chr10-13325701-C-A.
Other names: c.517G>T, p.Gly173Ter (NM_001037537.2, NM_001323080.2); c.823G>T, p.Gly275Ter (NM_001323082.2); c.553G>T, p.Gly185Ter (NM_001323083.2); c.523G>T, p.Gly175Ter (NM_001323084.2); short protein forms G173*, G273*, G275*, G175*, G185*.
Identifiers: ClinVar variation 2861585 (VCV002861585.3), dbSNP rs780657110, ClinGen allele CA376034058.